The following is an entry in ClinVar:

NM_000393.5(COL5A2):c.1045C>T (p.Pro349Ser)

Gene: COL5A2 (collagen type V alpha 2 chain; minus strand). Cytogenetic location: 2q32.2.
Variant type: single nucleotide variant.
Coding change: c.1045C>T on transcript NM_000393.5 (MANE Select); coding-DNA position 1045, C replaced by T.
Protein change: p.Pro349Ser; replaces proline 349 with serine.
Molecular consequence: missense variant.
Genome position (GRCh38, 1-based): chr2:189,078,530, G>A on the plus strand (C>T on the coding strand, the complement: COL5A2 is on the minus strand). VCF-style: chr2-189078530-G-A. GRCh37 (hg19) VCF-style: chr2-189943256-G-A.
Other names: short protein forms P349S.
Identifiers: ClinVar variation 2041579 (VCV002041579.4), dbSNP rs2469338494, ClinGen allele CA349855658.

ClinVar aggregate classification (germline): Uncertain significance (1 of 4 stars; one submission).

Conditions:
Ehlers-Danlos syndrome, classic type, 1 (EDSCL1). Also called: EHLERS-DANLOS SYNDROME, GRAVIS TYPE; EHLERS-DANLOS SYNDROME, SEVERE CLASSIC TYPE; Ehlers-Danlos syndrome, type 1; EDS I; Ehlers-Danlos Syndrome, Classic Type, COL5A1-Related. Identifiers: MedGen C0268335, MONDO:0019567, OMIM 130000.

Submission:

Labcorp Genetics (formerly Invitae), Labcorp
Classification: Uncertain significance for Ehlers-Danlos syndrome, classic type, 1. Last evaluated: 2025-04-11. Review status: criteria provided, single submitter. Criteria: Invitae Variant Classification Sherloc (09022015). Collection method: clinical testing. Allele origin: germline.
Comment: This sequence change replaces proline, which is neutral and non-polar, with serine, which is neutral and polar, at codon 349 of the COL5A2 protein (p.Pro349Ser). This variant is not present in population databases (gnomAD no frequency). This variant has not been reported in the literature in individuals affected with COL5A2-related conditions. ClinVar contains an entry for this variant (Variation ID: 2041579). Invitae Evidence Modeling of protein sequence and biophysical properties (such as structural, functional, and spatial information, amino acid conservation, physicochemical variation, residue mobility, and thermodynamic stability) indicates that this missense variant is not expected to disrupt COL5A2 protein function with a negative predictive value of 80%. In summary, the available evidence is currently insufficient to determine the role of this variant in disease. Therefore, it has been classified as a Variant of Uncertain Significance.